The following is an entry in ClinVar:

NM_018006.5(TRMU):c.577G>T (p.Gly193Trp)

Gene: TRMU (tRNA mitochondrial 2-thiouridylase; plus strand). Cytogenetic location: 22q13.31.
Variant type: single nucleotide variant.
Coding change: c.577G>T on transcript NM_018006.5 (MANE Select); coding-DNA position 577, G replaced by T.
Protein change: p.Gly193Trp; replaces glycine 193 with tryptophan.
Molecular consequence: missense variant. On other transcripts: non-coding transcript variant (2).
Genome position (GRCh38, 1-based): chr22:46,350,389, G>T. VCF-style: chr22-46350389-G-T. GRCh37 (hg19) VCF-style: chr22-46746286-G-T.
Other names: c.*21G>T (NM_001008568.2); c.*115G>T (NM_001008570.2); c.235G>T, p.Gly79Trp (NM_001282782.2); c.157G>T, p.Gly53Trp (NM_001282783.2, NM_001282784.2); c.577G>T, p.Gly193Trp (NM_001282785.2); short protein forms G193W, G53W, G79W.
Identifiers: ClinVar variation 1810437 (VCV001810437.3), dbSNP rs530281352, ClinGen allele CA10292102.

ClinVar aggregate classification (germline): Uncertain significance. Review status: criteria provided, multiple submitters, no conflicts (2 of 4 stars). 3 submissions from 3 submitters: Uncertain significance (3). Last evaluated 2024-01-12.

Conditions:
Inborn genetic diseases. Identifiers: MedGen C0950123, MeSH D030342.

Allele frequency attached by ClinVar (database versions not stated): 1000 Genomes Project 30x 0.00016; 1000 Genomes Project 0.00020.

Submissions (3):

Ambry Genetics
Classification: Uncertain significance for Inborn genetic diseases. Last evaluated: 2024-01-12. Review status: criteria provided, single submitter. Criteria: Ambry Variant Classification Scheme 2023. Collection method: clinical testing. Allele origin: germline.

GeneDx
Classification: Uncertain significance. Last evaluated: 2022-07-07. Review status: criteria provided, single submitter. Criteria: GeneDx Variant Classification Process June 2021. Collection method: clinical testing. Allele origin: germline. Affected: yes.
Comment: Not observed at significant frequency in large population cohorts (gnomAD); In silico analysis supports that this missense variant has a deleterious effect on protein structure/function; Has not been previously published as pathogenic or benign to our knowledge

Labcorp Genetics (formerly Invitae), Labcorp
Classification: Uncertain significance. Last evaluated: 2022-04-10. Review status: criteria provided, single submitter. Criteria: Invitae Variant Classification Sherloc (09022015). Collection method: clinical testing. Allele origin: germline.
Comment: This sequence change replaces glycine, which is neutral and non-polar, with tryptophan, which is neutral and slightly polar, at codon 193 of the TRMU protein (p.Gly193Trp). This variant is present in population databases (rs530281352, gnomAD 0.009%). This variant has not been reported in the literature in individuals affected with TRMU-related conditions. Advanced modeling of protein sequence and biophysical properties (such as structural, functional, and spatial information, amino acid conservation, physicochemical variation, residue mobility, and thermodynamic stability) performed at Invitae indicates that this missense variant is expected to disrupt TRMU protein function. In summary, the available evidence is currently insufficient to determine the role of this variant in disease. Therefore, it has been classified as a Variant of Uncertain Significance.